The following is an entry in ClinVar:

ClinVar aggregate classification (germline): Uncertain significance (1 of 4 stars; one submission).

Conditions:
Adams-Oliver syndrome 5 (AOS5). Identifiers: Orphanet 974, MedGen C4014970, MONDO:0014459, OMIM 616028.

gnomAD v4.1: 11 of 1,612,542 alleles (0.00068%); highest among the groups gnomAD compares: South Asian, 0.0033%; no homozygotes.

Submission:

Labcorp Genetics (formerly Invitae), Labcorp
Classification: Uncertain significance for Adams-Oliver syndrome 5. Last evaluated: 2025-07-29. Review status: criteria provided, single submitter. Criteria: Invitae Variant Classification Sherloc (09022015). Collection method: clinical testing. Allele origin: germline.
Comment: This sequence change falls in intron 8 of the NOTCH1 gene. It does not directly change the encoded amino acid sequence of the NOTCH1 protein. It affects a nucleotide within the consensus splice site. This variant is present in population databases (rs576327174, gnomAD 0.006%). This variant has not been reported in the literature in individuals affected with NOTCH1-related conditions. Variants that disrupt the consensus splice site are a relatively common cause of aberrant splicing (PMID: 17576681, 9536098). Algorithms developed to predict the effect of sequence changes on RNA splicing suggest that this variant may disrupt the consensus splice site. In summary, the available evidence is currently insufficient to determine the role of this variant in disease. Therefore, it has been classified as a Variant of Uncertain Significance.

Literature cited by the submitters: PubMed 17576681; PubMed 9536098.

NM_017617.5(NOTCH1):c.1441+5G>A

Gene: NOTCH1 (notch receptor 1; minus strand). Cytogenetic location: 9q34.3.
Variant type: single nucleotide variant.
Coding change: c.1441+5G>A on transcript NM_017617.5 (MANE Select); 5 bases into the intron after coding-DNA position 1441, G replaced by A.
Molecular consequence: intron variant.
Genome position (GRCh38, 1-based): chr9:136,517,747, C>T on the plus strand (G>A on the coding strand, the complement: NOTCH1 is on the minus strand). VCF-style: chr9-136517747-C-T. GRCh37 (hg19) VCF-style: chr9-139412199-C-T.
Identifiers: ClinVar variation 4774024 (VCV004774024.1).